The following is an entry in ClinVar:

ClinVar aggregate classification (germline): Uncertain significance. Review status: criteria provided, multiple submitters, no conflicts (2 of 4 stars). 2 submissions from 2 submitters: Uncertain significance (2). Last evaluated 2025-06-29.

Conditions:
Inborn genetic diseases. Identifiers: MedGen C0950123, MeSH D030342.
Baller-Gerold syndrome (BGS). Also called: CRANIOSYNOSTOSIS WITH RADIAL DEFECTS. Identifiers: Orphanet 1225, MedGen C0265308, MONDO:0009039, OMIM 218600.

Allele frequency attached by ClinVar (database versions not stated): gnomAD exomes below 0.00001 and 0.00001.
gnomAD v4.1: 3 of 1,550,106 alleles (0.00019%); highest among the groups gnomAD compares: African/African-American, 0.0014%; no homozygotes.

Submissions (2):

Ambry Genetics
Classification: Uncertain significance for Inborn genetic diseases. Last evaluated: 2025-06-29. Review status: criteria provided, single submitter. Criteria: Ambry Variant Classification Scheme 2023. Collection method: clinical testing. Allele origin: germline.
Comment: The p.A687V variant (also known as c.2060C>T), located in coding exon 13 of the RECQL4 gene, results from a C to T substitution at nucleotide position 2060. The alanine at codon 687 is replaced by valine, an amino acid with similar properties. This amino acid position is conserved. In addition, the in silico prediction for this alteration is inconclusive. Based on the available evidence, the clinical significance of this variant remains unclear.

Labcorp Genetics (formerly Invitae), Labcorp
Classification: Uncertain significance for Baller-Gerold syndrome. Last evaluated: 2023-06-04. Review status: criteria provided, single submitter. Criteria: Invitae Variant Classification Sherloc (09022015). Collection method: clinical testing. Allele origin: germline.
Comment: In summary, the available evidence is currently insufficient to determine the role of this variant in disease. Therefore, it has been classified as a Variant of Uncertain Significance. Experimental studies and prediction algorithms are not available or were not evaluated, and the functional significance of this variant is currently unknown. ClinVar contains an entry for this variant (Variation ID: 850082). This variant has not been reported in the literature in individuals affected with RECQL4-related conditions. This variant is present in population databases (no rsID available, gnomAD no frequency). This sequence change replaces alanine, which is neutral and non-polar, with valine, which is neutral and non-polar, at codon 687 of the RECQL4 protein (p.Ala687Val).

NM_004260.4(RECQL4):c.2060C>T (p.Ala687Val)

Gene: RECQL4 (RecQ like helicase 4; minus strand). Cytogenetic location: 8q24.3.
Variant type: single nucleotide variant.
Coding change: c.2060C>T on transcript NM_004260.4 (MANE Select); coding-DNA position 2060, C replaced by T.
Protein change: p.Ala687Val; replaces alanine 687 with valine.
Molecular consequence: missense variant.
Genome position (GRCh38, 1-based): chr8:144,513,711, G>A on the plus strand (C>T on the coding strand, the complement: RECQL4 is on the minus strand). VCF-style: chr8-144513711-G-A. GRCh37 (hg19) VCF-style: chr8-145739095-G-A.
Other names: short protein forms A687V.
Identifiers: ClinVar variation 850082 (VCV000850082.6), dbSNP rs1204590426, ClinGen allele CA372680112.